The following is an entry in ClinVar:

ClinVar aggregate classification (germline): Uncertain significance. Review status: criteria provided, multiple submitters, no conflicts (2 of 4 stars). 2 submissions from 2 submitters: Uncertain significance (2). Last evaluated 2026-07-28.

Conditions:
Inborn genetic diseases. Identifiers: MedGen C0950123, MeSH D030342.

gnomAD v4.1: 3 of 1,613,288 alleles (0.00019%); highest among the groups gnomAD compares: South Asian, 0.0011%; no homozygotes.

Submissions (2):

Ambry Genetics
Classification: Uncertain significance for Inborn genetic diseases. Last evaluated: 2026-07-28. Review status: criteria provided, single submitter. Criteria: Ambry Variant Classification Scheme 2023. Collection method: clinical testing. Allele origin: germline.

Women's Health and Genetics/Laboratory Corporation of America, LabCorp
Classification: Uncertain significance. Last evaluated: 2025-12-01. Review status: criteria provided, single submitter. Criteria: LabCorp Variant Classification Summary - May 2015. Collection method: clinical testing. Allele origin: germline.
Comment: Variant summary: CHD3 c.4454G>A (p.Arg1485His) results in a non-conservative amino acid change in the encoded protein sequence. Algorithms developed to predict the effect of missense changes on protein structure and function all suggest that this variant is likely to be disruptive. The variant allele was found at a frequency of 4e-06 in 250074 control chromosomes. The available data on variant occurrences in the general population are insufficient to allow any conclusion about variant significance. To our knowledge, no occurrence of c.4454G>A in individuals affected with CHD3-related conditions and no experimental evidence demonstrating its impact on protein function have been reported. ClinVar contains an entry for this variant (Variation ID: 3144116). Based on the evidence outlined above, the variant was classified as uncertain significance.

NM_001005273.3(CHD3):c.4454G>A (p.Arg1485His)

Gene: CHD3 (chromodomain helicase DNA binding protein 3; plus strand). Cytogenetic location: 17p13.1.
Variant type: single nucleotide variant.
Coding change: c.4454G>A on transcript NM_001005273.3 (MANE Select); coding-DNA position 4454, G replaced by A.
Protein change: p.Arg1485His; replaces arginine 1485 with histidine.
Molecular consequence: missense variant.
Genome position (GRCh38, 1-based): chr17:7,906,648, G>A. VCF-style: chr17-7906648-G-A. GRCh37 (hg19) VCF-style: chr17-7809966-G-A.
Other names: c.4631G>A, p.Arg1544His (NM_001005271.3); c.4454G>A, p.Arg1485His (NM_005852.4); short protein forms R1485H, R1544H.
Identifiers: ClinVar variation 3144116 (VCV003144116.3), dbSNP rs775142325, ClinGen allele CA397946257.